The following is an entry in ClinVar:

NM_004385.5(VCAN):c.1270C>T (p.Pro424Ser)

Gene: VCAN (versican; plus strand). Cytogenetic location: 5q14.3.
Variant type: single nucleotide variant.
Coding change: c.1270C>T on transcript NM_004385.5 (MANE Select); coding-DNA position 1270, C replaced by T.
Protein change: p.Pro424Ser; replaces proline 424 with serine.
Molecular consequence: missense variant. On other transcripts: intron variant (2).
Genome position (GRCh38, 1-based): chr5:83,519,576, C>T. VCF-style: chr5-83519576-C-T. GRCh37 (hg19) VCF-style: chr5-82815395-C-T.
Other names: c.1270C>T, p.Pro424Ser (NM_001164098.2); c.1042+7180C>T (NM_001164097.2, NM_001126336.3); short protein forms P424S.
Identifiers: ClinVar variation 2065248 (VCV002065248.6), dbSNP rs775405712, ClinGen allele CA3332640.

ClinVar aggregate classification (germline): Conflicting classifications of pathogenicity. Review status: criteria provided, conflicting classifications (1 of 4 stars). 3 submissions from 3 submitters: Uncertain significance (2); Likely benign (1). Last evaluated 2025-06-04.

Conditions:
Inborn genetic diseases. Identifiers: MedGen C0950123, MeSH D030342.

Allele frequency attached by ClinVar (database versions not stated): gnomAD 0.00001; TOPMed 0.00001; ExAC 0.00002.
gnomAD v4.1: 10 of 1,614,024 alleles (0.00062%); highest among the groups gnomAD compares: East Asian, 0.018%; no homozygotes.

Submissions (3):

Labcorp Genetics (formerly Invitae), Labcorp
Classification: Uncertain significance. Last evaluated: 2025-06-04. Review status: criteria provided, single submitter. Criteria: Invitae Variant Classification Sherloc (09022015). Collection method: clinical testing. Allele origin: germline.
Comment: This sequence change replaces proline, which is neutral and non-polar, with serine, which is neutral and polar, at codon 424 of the VCAN protein (p.Pro424Ser). This variant is present in population databases (rs775405712, gnomAD 0.02%). This variant has not been reported in the literature in individuals affected with VCAN-related conditions. ClinVar contains an entry for this variant (Variation ID: 2065248). An algorithm developed to predict the effect of missense changes on protein structure and function outputs the following: PolyPhen-2: "Benign". The serine amino acid residue is found in multiple mammalian species, which suggests that this missense change does not adversely affect protein function. In summary, the available evidence is currently insufficient to determine the role of this variant in disease. Therefore, it has been classified as a Variant of Uncertain Significance.

Blueprint Genetics
Classification: Likely benign. Last evaluated: 2024-09-06. Review status: criteria provided, single submitter. Criteria: ACMG Guidelines, 2015. Collection method: clinical testing. Allele origin: germline.

Ambry Genetics
Classification: Uncertain significance for Inborn genetic diseases. Last evaluated: 2022-06-30. Review status: criteria provided, single submitter. Criteria: Ambry Variant Classification Scheme 2023. Collection method: clinical testing. Allele origin: germline.